The following is an entry in ClinVar:

NM_033198.4(PIGS):c.1029C>T (p.Gly343=)

Gene: PIGS (phosphatidylinositol glycan anchor biosynthesis class S; minus strand). Cytogenetic location: 17q11.2.
Variant type: single nucleotide variant.
Coding change: c.1029C>T on transcript NM_033198.4 (MANE Select); coding-DNA position 1029, C replaced by T.
Protein change: p.Gly343=; no amino-acid change (glycine 343 retained).
Molecular consequence: synonymous variant.
Genome position (GRCh38, 1-based): chr17:28,556,878, G>A on the plus strand (C>T on the coding strand, the complement: PIGS is on the minus strand). VCF-style: chr17-28556878-G-A. GRCh37 (hg19) VCF-style: chr17-26883896-G-A.
Identifiers: ClinVar variation 2647583 (VCV002647583.24), dbSNP rs372731062, ClinGen allele CA8460120.
Genomic context (GRCh38, chr17:28,556,878, plus strand): 5'-GACTATTACCATAATGCCACCCCAGCGGGGACTATGGAAGGCATTGGTGGCCACTGGAGC[G>A]CCATCCTTGTCCTGAATGTACAGCGGTGAGTGTGCAAGCTCAGGCACGTAGAGTAGAAAG-3'
Protein context (NP_149975.1, residues 333-353): HSPLYIQDKD[Gly343=]APVATNAFHS

ClinVar aggregate classification (germline): Likely benign (1 of 4 stars; one submission).

Allele frequency attached by ClinVar (database versions not stated): gnomAD 0.00006; TOPMed 0.00006; ESP Exome Variant Server 0.00008; 1000 Genomes Project 0.00020; 1000 Genomes Project 30x 0.00031.
gnomAD v4.1: 40 of 1,614,116 alleles (0.0025%); highest among the groups gnomAD compares: African/African-American, 0.0093%; no homozygotes.

Submission:

CeGaT Center for Human Genetics Tuebingen
Classification: Likely benign. Last evaluated: 2023-05-01. Review status: criteria provided, single submitter. Criteria: CeGaT Center For Human Genetics Tuebingen Variant Classification Criteria Version 2. Collection method: clinical testing. Allele origin: germline. Affected: yes. Observed: 1 variant allele.
Comment: PIGS: BP4, BP7